The following is an entry in ClinVar:

ClinVar aggregate classification (germline): Likely benign (1 of 4 stars; one submission).

Allele frequency attached by ClinVar (database versions not stated): 1000 Genomes Project 30x 0.00219; 1000 Genomes Project 0.00220; gnomAD 0.00299; ExAC 0.00319; TOPMed 0.00352; gnomAD exomes 0.00410; ESP Exome Variant Server 0.00416.
gnomAD v4.1: 6,455 of 1,605,750 alleles (0.4%); highest among the groups gnomAD compares: Non-Finnish European, 0.49%; 15 homozygotes.

Submission:

CeGaT Center for Human Genetics Tuebingen
Classification: Likely benign. Last evaluated: 2022-11-01. Review status: criteria provided, single submitter. Criteria: CeGaT Center For Human Genetics Tuebingen Variant Classification Criteria Version 2. Collection method: clinical testing. Allele origin: germline. Affected: yes. Observed: 1 variant allele.
Comment: CYP39A1: BS2

NM_016593.5(CYP39A1):c.713C>G (p.Ser238Cys)

Gene: CYP39A1 (cytochrome P450 family 39 subfamily A member 1; minus strand). Cytogenetic location: 6p12.3.
Variant type: single nucleotide variant.
Coding change: c.713C>G on transcript NM_016593.5 (MANE Select); coding-DNA position 713, C replaced by G.
Protein change: p.Ser238Cys; replaces serine 238 with cysteine.
Molecular consequence: missense variant.
Genome position (GRCh38, 1-based): chr6:46,636,408, G>C on the plus strand (C>G on the coding strand, the complement: CYP39A1 is on the minus strand). VCF-style: chr6-46636408-G-C. GRCh37 (hg19) VCF-style: chr6-46604145-G-C.
Other names: c.653C>G, p.Ser218Cys (NM_001278738.2); c.197C>G, p.Ser66Cys (NM_001278739.2); short protein forms S218C, S238C, S66C.
Identifiers: ClinVar variation 2656619 (VCV002656619.24), dbSNP rs147866724, ClinGen allele CA3838028.